The following is an entry in ClinVar:

ClinVar aggregate classification (germline): Likely pathogenic (1 of 4 stars; one submission).

Conditions:
DICER1-related tumor predisposition. Also called: DICER1-related pleuropulmonary blastoma cancer predisposition syndrome; DICER1 syndrome. Identifiers: Orphanet 284343, MedGen C3839822, MONDO:0100216.

Submission:

Foulkes Cancer Genetics LDI, Lady Davis Institute for Medical Research
Classification: Likely pathogenic for Pleuropulmonary blastoma. Last evaluated: 2019-07-01. Review status: criteria provided, single submitter. Criteria: ACMG Guidelines, 2015. Collection method: curation. Allele origin: germline. Affected: yes and no. Observed: 3 variant alleles.
Comment: ACMG criteria met: PM1, PM2, PM4, PP4

Literature cited by the submitters: PubMed 27697588.

NM_177438.3(DICER1):c.5426_5442delinsCA (p.Gly1809_Ser1814delinsAla)

Gene: DICER1 (dicer 1, ribonuclease III; minus strand). Cytogenetic location: 14q32.13.
Variant type: Indel.
Coding change: c.5426_5442delinsCA on transcript NM_177438.3 (MANE Select); coding-DNA positions 5426 to 5442, GGGATATTTTTGAGTCG replaced by CA.
Protein change: p.Gly1809_Ser1814delinsAla.
Molecular consequence: inframe indel. On other transcripts: intron variant (1).
Genome position (GRCh38, 1-based): chr14:95,091,288-95,091,304, CGACTCAAAAATATCCC replaced by TG on the plus strand (GGGATATTTTTGAGTCG replaced by CA on the coding strand, the reverse complement: DICER1 is on the minus strand). VCF-style: chr14-95091288-CGACTCAAAAATATCCC-TG. GRCh37 (hg19) VCF-style: chr14-95557625-CGACTCAAAAATATCCC-TG.
Other names: c.5426_5442delinsCA, p.Gly1809_Ser1814delinsAla (NM_001271282.3, NM_001291628.2, NM_030621.4); c.5365-195_5365-179delinsCA (NM_001195573.1).
Identifiers: ClinVar variation 933079 (VCV000933079.3), dbSNP rs1889805083, ClinGen allele CA1139663685.
Genomic context (GRCh38, chr14:95,091,288, plus strand): 5'-GTACACCTGCCAGACTGTCTCCAGTGACATCCCACTATCCATGTAAATGGCACCAGCAAG[CGACTCAAAAATATCCC>TG]CCATGGCCTTTGGAACTTCAATATCCTCTTCTTTCTCTTCATCCTCCTCAGATCTCCTAA-3'